The following is an entry in ClinVar:

ClinVar aggregate classification (germline): Uncertain significance (1 of 4 stars; one submission).

Submission:

Labcorp Genetics (formerly Invitae), Labcorp
Classification: Uncertain significance. Last evaluated: 2025-02-20. Review status: criteria provided, single submitter. Criteria: Invitae Variant Classification Sherloc (09022015). Collection method: clinical testing. Allele origin: germline.
Comment: This sequence change replaces tyrosine, which is neutral and polar, with phenylalanine, which is neutral and non-polar, at codon 365 of the AP3D1 protein (p.Tyr365Phe). This variant is not present in population databases (gnomAD no frequency). This variant has not been reported in the literature in individuals affected with AP3D1-related conditions. ClinVar contains an entry for this variant (Variation ID: 2865058). An algorithm developed to predict the effect of missense changes on protein structure and function (PolyPhen-2) suggests that this variant is likely to be tolerated. In summary, the available evidence is currently insufficient to determine the role of this variant in disease. Therefore, it has been classified as a Variant of Uncertain Significance.

NM_001261826.3(AP3D1):c.1094A>T (p.Tyr365Phe)

Gene: AP3D1 (adaptor related protein complex 3 subunit delta 1; minus strand). Cytogenetic location: 19p13.3.
Variant type: single nucleotide variant.
Coding change: c.1094A>T on transcript NM_001261826.3 (MANE Select); coding-DNA position 1094, A replaced by T.
Protein change: p.Tyr365Phe; replaces tyrosine 365 with phenylalanine.
Molecular consequence: missense variant.
Genome position (GRCh38, 1-based): chr19:2,121,741, T>A on the plus strand (A>T on the coding strand, the complement: AP3D1 is on the minus strand). VCF-style: chr19-2121741-T-A. GRCh37 (hg19) VCF-style: chr19-2121740-T-A.
Other names: c.1094A>T, p.Tyr365Phe (NM_001374799.1, NM_003938.8); short protein forms Y365F.
Identifiers: ClinVar variation 2865058 (VCV002865058.3), dbSNP rs754461370, ClinGen allele CA403224670.